The following is an entry in ClinVar:

ClinVar aggregate classification (germline): Uncertain significance (1 of 4 stars; one submission).

Conditions:
Myopathy, proximal, and ophthalmoplegia (CMYO6). Also called: CONGENITAL MYOPATHY 6 WITH OPHTHALMOPLEGIA; MYOPATHY WITH CONGENITAL JOINT CONTRACTURES, OPHTHALMOPLEGIA, AND RIMMED VACUOLES; INCLUSION BODY MYOPATHY 3, AUTOSOMAL DOMINANT. Identifiers: Orphanet 363677, Orphanet 79091, MedGen C1854106, MONDO:0011577, OMIM 605637.

Submission:

Labcorp Genetics (formerly Invitae), Labcorp
Classification: Uncertain significance for Myopathy, proximal, and ophthalmoplegia. Last evaluated: 2025-11-04. Review status: criteria provided, single submitter. Criteria: Invitae Variant Classification Sherloc (09022015). Collection method: clinical testing. Allele origin: germline.
Comment: This sequence change replaces lysine, which is basic and polar, with glutamic acid, which is acidic and polar, at codon 1028 of the MYH2 protein (p.Lys1028Glu). This variant is not present in population databases (gnomAD no frequency). This variant has not been reported in the literature in individuals affected with MYH2-related conditions. Invitae Evidence Modeling of protein sequence and biophysical properties (such as structural, functional, and spatial information, amino acid conservation, physicochemical variation, residue mobility, and thermodynamic stability) indicates that this missense variant is expected to disrupt MYH2 protein function with a positive predictive value of 80%. In summary, the available evidence is currently insufficient to determine the role of this variant in disease. Therefore, it has been classified as a Variant of Uncertain Significance.

NM_017534.6(MYH2):c.3082A>G (p.Lys1028Glu)

Genes: MYH2 (myosin heavy chain 2; minus strand), MYHAS (myosin heavy chain gene cluster antisense RNA; plus strand). Cytogenetic location: 17p13.1.
Variant type: single nucleotide variant.
Coding change: c.3082A>G on transcript NM_017534.6 (MANE Select); coding-DNA position 3082, A replaced by G.
Protein change: p.Lys1028Glu; replaces lysine 1028 with glutamic acid.
Molecular consequence: missense variant.
Genome position (GRCh38, 1-based): chr17:10,529,599, T>C on the plus strand (A>G on the coding strand, the complement: MYH2 is on the minus strand). VCF-style: chr17-10529599-T-C. GRCh37 (hg19) VCF-style: chr17-10432916-T-C.
Other names: c.3082A>G, p.Lys1028Glu (NM_001100112.2); short protein forms K1028E.
Identifiers: ClinVar variation 4776623 (VCV004776623.1).